The following is an entry in ClinVar:

NM_003823.4(TNFRSF6B):c.722G>A (p.Gly241Asp)

Genes: RTEL1-TNFRSF6B (RTEL1-TNFRSF6B readthrough (NMD candidate); plus strand), TNFRSF6B (TNF receptor superfamily member 6b; plus strand). Cytogenetic location: 20q13.33.
Variant type: single nucleotide variant.
Coding change: c.722G>A on transcript NM_003823.4 (MANE Select); coding-DNA position 722, G replaced by A.
Protein change: p.Gly241Asp; replaces glycine 241 with aspartic acid.
Molecular consequence: missense variant. On other transcripts: non-coding transcript variant (1).
Genome position (GRCh38, 1-based): chr20:63,698,382, G>A. VCF-style: chr20-63698382-G-A. GRCh37 (hg19) VCF-style: chr20-62329735-G-A.
Other names: short protein forms G241D.
Identifiers: ClinVar variation 2831585 (VCV002831585.3), dbSNP rs768990640, ClinGen allele CA9966574.
Genomic context (GRCh38, chr20:63,698,382, plus strand): 5'-TCCAGGACATCTCCATCAAGAGGCTGCAGCGGCTGCTGCAGGCCCTCGAGGCCCCGGAGG[G>A]CTGGGGTCCGACACCAAGGGCGGGCCGCGCGGCCTTGCAGCTGAAGCTGCGTCGGCGGCT-3'
Protein context (NP_003814.1, residues 231-251): RLLQALEAPE[Gly241Asp]WGPTPRAGRA

ClinVar aggregate classification (germline): Uncertain significance (1 of 4 stars; one submission).

Allele frequency attached by ClinVar (database versions not stated): ExAC 0.00001.

Submission:

Labcorp Genetics (formerly Invitae), Labcorp
Classification: Uncertain significance. Last evaluated: 2023-04-06. Review status: criteria provided, single submitter. Criteria: Invitae Variant Classification Sherloc (09022015). Collection method: clinical testing. Allele origin: germline.
Comment: This sequence change replaces glycine, which is neutral and non-polar, with aspartic acid, which is acidic and polar, at codon 241 of the TNFRSF6B protein (p.Gly241Asp). The frequency data for this variant in the population databases is considered unreliable, as metrics indicate poor data quality at this position in the gnomAD database. This variant has not been reported in the literature in individuals affected with TNFRSF6B-related conditions. Algorithms developed to predict the effect of missense changes on protein structure and function output the following: SIFT: "Not Available"; PolyPhen-2: "Benign"; Align-GVGD: "Not Available". The aspartic acid amino acid residue is found in multiple mammalian species, which suggests that this missense change does not adversely affect protein function. In summary, the available evidence is currently insufficient to determine the role of this variant in disease. Therefore, it has been classified as a Variant of Uncertain Significance.